The following is an entry in ClinVar:

NM_000212.3(ITGB3):c.718C>T (p.Arg240Trp)

Gene: ITGB3 (integrin subunit beta 3; plus strand). Cytogenetic location: 17q21.32.
Variant type: single nucleotide variant.
Coding change: c.718C>T on transcript NM_000212.3 (MANE Select); coding-DNA position 718, C replaced by T.
Protein change: p.Arg240Trp; replaces arginine 240 with tryptophan.
Molecular consequence: missense variant.
Genome position (GRCh38, 1-based): chr17:47,286,363, C>T. VCF-style: chr17-47286363-C-T. GRCh37 (hg19) VCF-style: chr17-45363729-C-T.
Other names: R214W; c.718C>T (NM_000212.2, NM_000212.2); short protein forms R240W.
Identifiers: ClinVar variation 13555 (VCV000013555.13), dbSNP rs121918446, ClinGen allele CA123228.

ClinVar aggregate classification (germline): Likely pathogenic. Review status: reviewed by expert panel (3 of 4 stars). 6 submissions from 6 submitters: Likely pathogenic (1). 5 of the submissions do not count toward it. Last evaluated 2024-08-20.

Conditions:
Glanzmann thrombasthenia 2. Also called: BLEEDING DISORDER, PLATELET-TYPE, 23. Identifiers: MedGen C5543273, MONDO:0031009, OMIM 619267.
Glanzmann thrombasthenia 1 (GT1). Also called: GP IIb-IIIa COMPLEX DEFICIENCY; GLYCOPROTEIN COMPLEX IIb-IIIa DEFICIENCY; PLATELET FIBRINOGEN RECEPTOR DEFICIENCY; BLEEDING DISORDER, PLATELET-TYPE, 2. Identifiers: MedGen CN300358, MONDO:0031332, OMIM 273800.
Glanzmann thrombasthenia. Also called: PLATELET GLYCOPROTEIN IIb-IIIa DEFICIENCY; THROMBASTHENIA OF GLANZMANN AND NAEGELI; Thrombasthenia; Glanzmann's thrombasthenia. Identifiers: Orphanet 849, MedGen C0040015, MONDO:0100326.

Allele frequency attached by ClinVar (database versions not stated): gnomAD 0.00001; ExAC 0.00002; gnomAD exomes below 0.00001 and 0.00001.
gnomAD v4.1: 4 of 1,614,040 alleles (0.00025%); highest among the groups gnomAD compares: South Asian, 0.0022%; no homozygotes.

Submissions (6):

ClinGen Platelet Disorders Variant Curation Expert Panel, ClinGen
Classification: Likely pathogenic for Glanzmann thrombasthenia. Last evaluated: 2024-08-20. Review status: reviewed by expert panel. Criteria: ClinGen Platelet ACMG Specifications v2-1. Collection method: curation. Allele origin: germline. Inheritance: Autosomal recessive inheritance.
Comment: The NM_000212.2(ITGB3):c.718C>T (p.Arg240Trp) missense variant has been reported in at least five patients (PMID: 32200672, 7509233, 1602006, DOI 10.2491/jjsth.10.243, and a thesis by Zapelli in 2014) with a phenotype highly specific to GT. Several probands from PMID: 32200672, PMID: 7509233, and PMID: 1602006 are homozygous (PM3) and meet the criteria for PP4_moderate; including mucocutaneous bleeding and impaired aggregation with all agonists except ristocetin. Additionally, surface αIIbβ3 was dysfunctional as shown by defective PAC-1 and fibrinogen binding. This variant is at an extremely low frequency (below the <1/10,000 threshold) with a MAF of 0.00002196 (2/91,084 alleles) in the gnomADv4.1.0 South Asian population (PM2_supporting). It is predicted to have a deleterious effect (REVEL score 0.832; PP3) and occurs at the same residue as pathogenic variant Arg240Gln (PM5). In summary this variant meets criteria to be classified as likely pathogenic for GT. GT-specific criteria applied: PM2_Supporting, PM3, PM5, PP3, and PP4_Moderate.

Labcorp Genetics (formerly Invitae), Labcorp
Classification: Pathogenic. Last evaluated: 2026-01-26. Review status: criteria provided, single submitter. Criteria: Invitae Variant Classification Sherloc (09022015). Collection method: clinical testing. Allele origin: germline. Not counted in ClinVar's aggregate classification.
Comment: This sequence change replaces arginine, which is basic and polar, with tryptophan, which is neutral and slightly polar, at codon 240 of the ITGB3 protein (p.Arg240Trp). This variant is present in population databases (rs121918446, gnomAD 0.006%). This missense change has been observed in individuals with autosomal recessive Glanzmann thrombasthenia (PMID: 1602006, 9215749, 32757236; internal data). This variant is also known as p.Arg214Trp. ClinVar contains an entry for this variant (Variation ID: 13555). Invitae Evidence Modeling of protein sequence and biophysical properties (such as structural, functional, and spatial information, amino acid conservation, physicochemical variation, residue mobility, and thermodynamic stability) indicates that this missense variant is expected to disrupt ITGB3 protein function with a positive predictive value of 95%. Experimental studies have shown that this missense change affects ITGB3 function (PMID: 9050889). This variant disrupts the p.Arg240 amino acid residue in ITGB3. Other variant(s) that disrupt this residue have been determined to be pathogenic (PMID: 1371279, 9215749, 30138987). This suggests that this residue is clinically significant, and that variants that disrupt this residue are likely to be disease-causing. For these reasons, this variant has been classified as Pathogenic.

Women's Health and Genetics/Laboratory Corporation of America, LabCorp
Classification: Pathogenic for Glanzmann thrombasthenia 2. Last evaluated: 2023-06-20. Review status: criteria provided, single submitter. Criteria: LabCorp Variant Classification Summary - May 2015. Collection method: clinical testing. Allele origin: germline. Not counted in ClinVar's aggregate classification.
Comment: Variant summary: ITGB3 c.718C>T (p.Arg240Trp) results in a non-conservative amino acid change located in the Integrin beta subunit, VWA domain (IPR002369) of the encoded protein sequence. Five of five in-silico tools predict a damaging effect of the variant on protein function. The variant allele was found at a frequency of 1.2e-05 in 249030 control chromosomes (gnomAD). Another variant at the same amino acid position (p.Arg240Gln) has been classified as pathogenic in ClinVar, providing supporting evidence for R240 as a clinically significant amino acid. c.718C>T has been reported in the literature in at least one homozygous individual affected with Glanzmann Thrombasthenia 2 (example: Lanza_1992) and as a milder phenotype in heterozygous individuals, including individuals affected with isolated nonsyndromic thrombocytopenia or other clinical features of Glanzmann Thrombasthenia 2 (examples: Gueguen_2020, Lanza_1992). These data indicate that the variant is likely to be associated with disease. One publication reports experimental evidence evaluating an impact on protein function, suggesting the variant causes defective ligand binding (Baker_1997), however, does not allow convincing conclusions about the variant effect. Another publication reports experimental evidence evaluating an impact on protein function. The most pronounced variant effect results in 2-4% of WT levels fibrinogen binding/platelet adhesion in a patient with a homozygous genotype. The following publications have been ascertained in the context of this evaluation (PMID: 9050889, 32757236, 1602006). Two submitters have cited clinical-significance assessments for this variant to ClinVar after 2014. All submitters classified the variant as likely pathogenic. Based on the evidence outlined above, the variant was classified as pathogenic.

Laboratory for Molecular Medicine, Mass General Brigham Personalized Medicine
Classification: Pathogenic for Glanzmann thrombasthenia. Last evaluated: 2023-02-02. Review status: criteria provided, single submitter. Criteria: ACMG Guidelines, 2015. Collection method: clinical testing. Allele origin: germline. Not counted in ClinVar's aggregate classification.
Comment: The p.Arg240Trp variant in ITGB3 has been reported in 3 homozygous individuals with Glanzmann thrombasthenia (Lanza 1992 PMID: 1602006, Paciullo 2021 PMID: 32200672, Djaffar 1993 PMID: 7509233). It was also identified 0.001% (1/68038) of European chromosomes by gnomAD, v.3. The variant is also reported in ClinVar, and has been classified as pathogenic by the ClinGen Platelet Disorders Variant Curation Expert Panel (Variation ID 13555). In vitro analysis using patient derived platelets support an impact to normal protein function. Computational prediction tools and conservation analysis suggest that this variant may impact the protein. Another variant involving this codon (p.Arg240Gln) has been identified in individuals with Glanzmann thrombasthenia and is classified as pathogenic by the ClinGen Platelet Disorders Variant Curation Expert Panel. In summary, this variant meets criteria to be classified as pathogenic for autosomal recessive Glanzmann thrombasthenia. ACMG/AMP criteria applied: PM3, PM5, PS3_Supporting, PM2_Supporting, PP3, PP4.

OMIM
Classification: Pathogenic for GLANZMANN THROMBASTHENIA 2. Last evaluated: 1992-06-01. Review status: no assertion criteria provided. Collection method: literature only. Allele origin: germline. Not counted in ClinVar's aggregate classification.

ISTH-SSC Genomics in Thrombosis and Hemostasis, KU Leuven, Center for Molecular and Vascular Biology
Classification: Likely pathogenic for Glanzmann thrombasthenia 1. Review status: no assertion criteria provided. Collection method: clinical testing. Allele origin: unknown. Affected: yes. Not counted in ClinVar's aggregate classification.
Comment: Submitted to GoldVariant by Loredana Bury - Paolo Gresele from University of Perugia, Department of Medicine and Surgery, Centre for Hemostasis and Thrombosis, Italy

Literature cited by the submitters: PubMed 1602006 (cited by 3 submitters); PubMed 9215749 (cited by Labcorp Genetics (formerly Invitae), Labcorp); PubMed 32757236 (cited by Labcorp Genetics (formerly Invitae), Labcorp and Women's Health and Genetics/Laboratory Corporation of America, LabCorp); PubMed 9050889 (cited by Labcorp Genetics (formerly Invitae), Labcorp and Women's Health and Genetics/Laboratory Corporation of America, LabCorp); PubMed 1371279 (cited by Labcorp Genetics (formerly Invitae), Labcorp); PubMed 30138987 (cited by Labcorp Genetics (formerly Invitae), Labcorp).